The following is an entry in ClinVar:

NM_007194.4(CHEK2):c.432T>A (p.Phe144Leu)

Gene: CHEK2 (checkpoint kinase 2; minus strand). Cytogenetic location: 22q12.1.
Variant type: single nucleotide variant.
Coding change: c.432T>A on transcript NM_007194.4 (MANE Select); coding-DNA position 432, T replaced by A.
Protein change: p.Phe144Leu; replaces phenylalanine 144 with leucine.
Molecular consequence: missense variant.
Genome position (GRCh38, 1-based): chr22:28,725,255, A>T on the plus strand (T>A on the coding strand, the complement: CHEK2 is on the minus strand). VCF-style: chr22-28725255-A-T. GRCh37 (hg19) VCF-style: chr22-29121243-A-T.
Other names: c.561T>A, p.Phe187Leu (NM_001005735.3); c.-346T>A (NM_001257387.3); c.432T>A, p.Phe144Leu (NM_001349956.3, NM_145862.3); short protein forms F144L, F187L.
Identifiers: ClinVar variation 1375153 (VCV001375153.10), dbSNP rs876658374, ClinGen allele CA411107900.

ClinVar aggregate classification (germline): Uncertain significance. Review status: criteria provided, multiple submitters, no conflicts (2 of 4 stars). 2 submissions from 2 submitters: Uncertain significance (2). Last evaluated 2024-09-22.

Conditions:
Hereditary cancer-predisposing syndrome. Also called: Neoplastic Syndromes, Hereditary; Hereditary Cancer Syndrome; Tumor predisposition; Hereditary neoplastic syndrome. Identifiers: Orphanet 140162, MedGen C0027672, MeSH D009386, MONDO:0015356.
Familial cancer of breast. Also called: Hereditary breast cancer; BREAST CANCER, FAMILIAL; hereditary breast carcinoma. Identifiers: Orphanet 227535, MedGen C0346153, MONDO:0016419, OMIM 114480. Disease mechanism: loss of function.

Submissions (2):

Ambry Genetics
Classification: Uncertain significance for Hereditary cancer-predisposing syndrome. Last evaluated: 2024-09-22. Review status: criteria provided, single submitter. Criteria: Ambry Variant Classification Scheme 2023. Collection method: clinical testing. Allele origin: germline.
Comment: The p.F144L variant (also known as c.432T>A), located in coding exon 2 of the CHEK2 gene, results from a T to A substitution at nucleotide position 432. The phenylalanine at codon 144 is replaced by leucine, an amino acid with highly similar properties. A similar variant with a different nucleotide change (c.432T>G) but identical protein impact (p.F144L) has been reported in a cohort of 488 patients with stages I to III breast cancer who were tested with a 25-gene panel test (Tung N et al. J Clin Oncol, 2016 May;34:1460-8). This amino acid position is highly conserved in available vertebrate species. In addition, the in silico prediction for this alteration is inconclusive. Based on the available evidence, the clinical significance of this variant remains unclear.

Labcorp Genetics (formerly Invitae), Labcorp
Classification: Uncertain significance for Familial cancer of breast. Last evaluated: 2024-03-14. Review status: criteria provided, single submitter. Criteria: Invitae Variant Classification Sherloc (09022015). Collection method: clinical testing. Allele origin: germline.
Comment: This sequence change replaces phenylalanine, which is neutral and non-polar, with leucine, which is neutral and non-polar, at codon 144 of the CHEK2 protein (p.Phe144Leu). This variant is not present in population databases (gnomAD no frequency). This missense change has been observed in individual(s) with breast cancer (PMID: 26976419). ClinVar contains an entry for this variant (Variation ID: 1375153). An algorithm developed to predict the effect of missense changes on protein structure and function (PolyPhen-2) suggests that this variant is likely to be disruptive. In summary, the available evidence is currently insufficient to determine the role of this variant in disease. Therefore, it has been classified as a Variant of Uncertain Significance.

Literature cited by the submitters: PubMed 26976419 (cited by Ambry Genetics and Labcorp Genetics (formerly Invitae), Labcorp).